The following is an entry in ClinVar:

ClinVar aggregate classification (germline): Uncertain significance. Review status: criteria provided, multiple submitters, no conflicts (2 of 4 stars). 5 submissions from 5 submitters: Uncertain significance (4). 1 of the submissions does not count toward it. Last evaluated 2025-11-13.

Conditions:
Pulmonary fibrosis and/or bone marrow failure, Telomere-related, 3. Also called: PULMONARY FIBROSIS AND/OR BONE MARROW FAILURE SYNDROME, TELOMERE-RELATED, 3. Identifiers: Orphanet 2032, MedGen C4225346, MONDO:0014613, OMIM 616373.
Dyskeratosis congenita, autosomal recessive 5 (DKCB5). Identifiers: MedGen C3554656, MONDO:0014076, OMIM 615190.
Inborn genetic diseases. Identifiers: MedGen C0950123, MeSH D030342.
Dyskeratosis congenita. Identifiers: Orphanet 1775, MedGen C0265965, MONDO:0015780.

Allele frequency attached by ClinVar (database versions not stated): gnomAD exomes 0.00005 and 0.00011; TOPMed 0.00005; gnomAD 0.00007 and 0.00011; ExAC 0.00008.
gnomAD v4.1: 86 of 1,562,424 alleles (0.0055%); highest among the groups gnomAD compares: East Asian, 0.056%; 1 homozygote.

Submissions (5):

Ambry Genetics
Classification: Uncertain significance for Inborn genetic diseases. Last evaluated: 2025-11-13. Review status: criteria provided, single submitter. Criteria: Ambry Variant Classification Scheme 2023. Collection method: clinical testing. Allele origin: germline.

Labcorp Genetics (formerly Invitae), Labcorp
Classification: Uncertain significance for Dyskeratosis congenita, autosomal recessive 5; Pulmonary fibrosis and/or bone marrow failure, Telomere-related, 3. Last evaluated: 2025-10-21. Review status: criteria provided, single submitter. Criteria: Invitae Variant Classification Sherloc (09022015). Collection method: clinical testing. Allele origin: germline.
Comment: This sequence change replaces glycine, which is neutral and non-polar, with serine, which is neutral and polar, at codon 1197 of the RTEL1 protein (p.Gly1197Ser). This variant is present in population databases (rs545606632, gnomAD 0.04%). This variant has not been reported in the literature in individuals affected with RTEL1-related conditions. This variant is also known as NM_032957.4:c.3661G>A (p.Gly1221Ser). ClinVar contains an entry for this variant (Variation ID: 580744). An algorithm developed to predict the effect of missense changes on protein structure and function outputs the following: PolyPhen-2: "Benign". The serine amino acid residue is found in multiple mammalian species, which suggests that this missense change does not adversely affect protein function. In summary, the available evidence is currently insufficient to determine the role of this variant in disease. Therefore, it has been classified as a Variant of Uncertain Significance.

Fulgent Genetics
Classification: Uncertain significance for Dyskeratosis congenita, autosomal recessive 5; Pulmonary fibrosis and/or bone marrow failure, Telomere-related, 3. Last evaluated: 2024-01-26. Review status: criteria provided, single submitter. Criteria: ACMG Guidelines, 2015. Collection method: clinical testing. Allele origin: germline.

Sema4
Classification: Uncertain significance for Dyskeratosis congenita. Last evaluated: 2021-12-22. Review status: criteria provided, single submitter. Criteria: Sema4 Curation Guidelines. Collection method: curation. Allele origin: germline.
Comment: The RTEL1 c.3589G>A (p.G1197S) variant has not been reported in the literature to our knowledge. It was observed in 7/19270 chromosomes of the East Asian subpopulation, with no homozygotes, in the large and broad cohorts of the Genome Aggregation Database (PMID: 32461654). This variant has been reported in ClinVar (Variation ID 580744). In silico tools suggest the impact of the variant on protein function is benign, though these predictions have not been confirmed by functional studies. There is no indication that this variant causes disease, but the evidence is insufficient currently to prove that conclusively. Thus, the clinical significance of this variant is currently uncertain.

Natera, Inc.
Classification: Uncertain significance for Dyskeratosis congenita. Last evaluated: 2019-11-11. Review status: no assertion criteria provided. Collection method: clinical testing. Allele origin: germline. Not counted in ClinVar's aggregate classification.

NM_001283009.2(RTEL1):c.3589G>A (p.Gly1197Ser)

Genes: RTEL1-TNFRSF6B (RTEL1-TNFRSF6B readthrough (NMD candidate); plus strand), RTEL1 (regulator of telomere elongation helicase 1; plus strand). Cytogenetic location: 20q13.33.
Variant type: single nucleotide variant.
Coding change: c.3589G>A on transcript NM_001283009.2 (MANE Select); coding-DNA position 3589, G replaced by A.
Protein change: p.Gly1197Ser; replaces glycine 1197 with serine.
Molecular consequence: missense variant. On other transcripts: non-coding transcript variant (1).
Genome position (GRCh38, 1-based): chr20:63,695,417, G>A. VCF-style: chr20-63695417-G-A. GRCh37 (hg19) VCF-style: chr20-62326770-G-A.
Other names: c.2920G>A, p.Gly974Ser (NM_001283010.1); c.3589G>A, p.Gly1197Ser (NM_016434.4); c.3661G>A, p.Gly1221Ser (NM_032957.5); short protein forms G1197S, G1221S, G974S.
Identifiers: ClinVar variation 580744 (VCV000580744.12), dbSNP rs545606632, ClinGen allele CA9966134.